The following is an entry in ClinVar:

NM_020461.4(TUBGCP6):c.1930G>A (p.Val644Ile)

Gene: TUBGCP6 (tubulin gamma complex component 6; minus strand). Cytogenetic location: 22q13.33.
Variant type: single nucleotide variant.
Coding change: c.1930G>A on transcript NM_020461.4 (MANE Select); coding-DNA position 1930, G replaced by A.
Protein change: p.Val644Ile; replaces valine 644 with isoleucine.
Molecular consequence: missense variant.
Genome position (GRCh38, 1-based): chr22:50,225,847, C>T on the plus strand (G>A on the coding strand, the complement: TUBGCP6 is on the minus strand). VCF-style: chr22-50225847-C-T. GRCh37 (hg19) VCF-style: chr22-50664276-C-T.
Other names: short protein forms V644I.
Identifiers: ClinVar variation 859796 (VCV000859796.8), dbSNP rs781130101, ClinGen allele CA10308448.
Genomic context (GRCh38, chr22:50,225,847, plus strand): 5'-CACGCACCTTCTCCTCCTTGCTGACAGAGCTGTGGCGGGCCACCCTCTCCATGCGCCCAA[C>T]GTAGACGGCACAGTCCTTCTCAATCTCCTTCAACTCCTCAAGGGAGAAAATCACCGAGAT-3'
Protein context (NP_065194.3, residues 634-654): KEIEKDCAVY[Val644Ile]GRMERVARHS

ClinVar aggregate classification (germline): Uncertain significance. Review status: criteria provided, multiple submitters, no conflicts (2 of 4 stars). 2 submissions from 2 submitters: Uncertain significance (2). Last evaluated 2025-10-30.

Conditions:
Inborn genetic diseases. Identifiers: MedGen C0950123, MeSH D030342.

Allele frequency attached by ClinVar (database versions not stated): ExAC 0.00002; gnomAD 0.00002; TOPMed 0.00001; gnomAD exomes 0.00002.
gnomAD v4.1: 32 of 1,613,758 alleles (0.002%); highest among the groups gnomAD compares: Middle Eastern, 0.033%; no homozygotes.

Submissions (2):

Ambry Genetics
Classification: Uncertain significance for Inborn genetic diseases. Last evaluated: 2025-10-30. Review status: criteria provided, single submitter. Criteria: Ambry Variant Classification Scheme 2023. Collection method: clinical testing. Allele origin: germline.

Labcorp Genetics (formerly Invitae), Labcorp
Classification: Uncertain significance. Last evaluated: 2023-07-30. Review status: criteria provided, single submitter. Criteria: Invitae Variant Classification Sherloc (09022015). Collection method: clinical testing. Allele origin: germline.
Comment: In summary, the available evidence is currently insufficient to determine the role of this variant in disease. Therefore, it has been classified as a Variant of Uncertain Significance. An algorithm developed to predict the effect of missense changes on protein structure and function (PolyPhen-2) suggests that this variant is likely to be disruptive. ClinVar contains an entry for this variant (Variation ID: 859796). This variant has not been reported in the literature in individuals affected with TUBGCP6-related conditions. This variant is present in population databases (rs781130101, gnomAD 0.01%). This sequence change replaces valine, which is neutral and non-polar, with isoleucine, which is neutral and non-polar, at codon 644 of the TUBGCP6 protein (p.Val644Ile).